The following is an entry in ClinVar:

ClinVar aggregate classification (germline): Likely benign (1 of 4 stars; one submission).

Submission:

CeGaT Center for Human Genetics Tuebingen
Classification: Likely benign. Last evaluated: 2024-09-01. Review status: criteria provided, single submitter. Criteria: CeGaT Center For Human Genetics Tuebingen Variant Classification Criteria Version 2. Collection method: clinical testing. Allele origin: germline. Affected: yes. Observed: 1 variant allele.
Comment: FAM111A: BP4, BP7

NM_001312909.2(FAM111A):c.1782A>G (p.Glu594=)

Gene: FAM111A (FAM111 trypsin like peptidase A; plus strand). Cytogenetic location: 11q12.1.
Variant type: single nucleotide variant.
Coding change: c.1782A>G on transcript NM_001312909.2 (MANE Select); coding-DNA position 1782, A replaced by G.
Protein change: p.Glu594=; no amino-acid change (glutamic acid 594 retained).
Molecular consequence: synonymous variant.
Genome position (GRCh38, 1-based): chr11:59,153,450, A>G. VCF-style: chr11-59153450-A-G. GRCh37 (hg19) VCF-style: chr11-58920923-A-G.
Other names: c.1782A>G, p.Glu594= (NM_001142519.3, NM_001142520.3, NM_001142521.3 and 29 more transcripts).
Identifiers: ClinVar variation 3389390 (VCV003389390.14).